The following is an entry in ClinVar:

NM_001105206.3(LAMA4):c.5464G>A (p.Ala1822Thr)

Gene: LAMA4 (laminin subunit alpha 4; minus strand). Cytogenetic location: 6q21.
Variant type: single nucleotide variant.
Coding change: c.5464G>A on transcript NM_001105206.3 (MANE Select); coding-DNA position 5464, G replaced by A.
Protein change: p.Ala1822Thr; replaces alanine 1822 with threonine.
Molecular consequence: missense variant.
Genome position (GRCh38, 1-based): chr6:112,109,445, C>T on the plus strand (G>A on the coding strand, the complement: LAMA4 is on the minus strand). VCF-style: chr6-112109445-C-T. GRCh37 (hg19) VCF-style: chr6-112430648-C-T.
Other names: c.5443G>A, p.Ala1815Thr (NM_001105207.3, NM_002290.5); short protein forms A1822T, A1815T.
Identifiers: ClinVar variation 4722899 (VCV004722899.1).

ClinVar aggregate classification (germline): Uncertain significance (1 of 4 stars; one submission).

Conditions:
Dilated cardiomyopathy 1JJ (CMD1JJ). Identifiers: Orphanet 154, MedGen C3808935, MONDO:0014095, OMIM 615235.

Submission:

Labcorp Genetics (formerly Invitae), Labcorp
Classification: Uncertain significance for Dilated cardiomyopathy 1JJ. Last evaluated: 2025-07-08. Review status: criteria provided, single submitter. Criteria: Invitae Variant Classification Sherloc (09022015). Collection method: clinical testing. Allele origin: germline.
Comment: This sequence change replaces alanine, which is neutral and non-polar, with threonine, which is neutral and polar, at codon 1815 of the LAMA4 protein (p.Ala1815Thr). This variant is not present in population databases (gnomAD no frequency). This variant has not been reported in the literature in individuals affected with LAMA4-related conditions. An algorithm developed to predict the effect of missense changes on protein structure and function outputs the following: PolyPhen-2: "Benign". The threonine amino acid residue is found in multiple mammalian species, which suggests that this missense change does not adversely affect protein function. In summary, the available evidence is currently insufficient to determine the role of this variant in disease. Therefore, it has been classified as a Variant of Uncertain Significance.